The following is an entry in ClinVar:

ClinVar aggregate classification (germline): Conflicting classifications of pathogenicity. Review status: criteria provided, conflicting classifications (1 of 4 stars). 3 submissions from 3 submitters: Uncertain significance (2); Likely benign (1). Last evaluated 2025-04-13.

Conditions:
Adams-Oliver syndrome 5 (AOS5). Identifiers: Orphanet 974, MedGen C4014970, MONDO:0014459, OMIM 616028.
Familial thoracic aortic aneurysm and aortic dissection (TAAD). Also called: Thoracic aortic aneurysms and dissections. Identifiers: Orphanet 91387, MedGen C4707243, MONDO:0019625.

Allele frequency attached by ClinVar (database versions not stated): gnomAD 0.00001; ExAC 0.00002; ESP Exome Variant Server 0.00008.
gnomAD v4.1: 8 of 1,609,606 alleles (0.0005%); highest among the groups gnomAD compares: Non-Finnish European, 0.00068%; no homozygotes.

Submissions (3):

Ambry Genetics
Classification: Uncertain significance for Familial thoracic aortic aneurysm and aortic dissection. Last evaluated: 2025-04-13. Review status: criteria provided, single submitter. Criteria: Ambry Variant Classification Scheme 2023. Collection method: clinical testing. Allele origin: germline.
Comment: The p.D1223N variant (also known as c.3667G>A), located in coding exon 23 of the NOTCH1 gene, results from a G to A substitution at nucleotide position 3667. The aspartic acid at codon 1223 is replaced by asparagine, an amino acid with highly similar properties. This amino acid position is conserved. In addition, the in silico prediction for this alteration is inconclusive. Since supporting evidence is limited at this time, the clinical significance of this alteration remains unclear.

Labcorp Genetics (formerly Invitae), Labcorp
Classification: Likely benign for Adams-Oliver syndrome 5. Last evaluated: 2024-07-08. Review status: criteria provided, single submitter. Criteria: Invitae Variant Classification Sherloc (09022015). Collection method: clinical testing. Allele origin: germline.

CHEO Genetics Diagnostic Laboratory, Children's Hospital of Eastern Ontario
Classification: Uncertain significance for Familial thoracic aortic aneurysm and aortic dissection. Last evaluated: 2022-04-04. Review status: criteria provided, single submitter. Criteria: ACMG Guidelines, 2015. Collection method: clinical testing. Allele origin: germline.

NM_017617.5(NOTCH1):c.3667G>A (p.Asp1223Asn)

Gene: NOTCH1 (notch receptor 1; minus strand). Cytogenetic location: 9q34.3.
Variant type: single nucleotide variant.
Coding change: c.3667G>A on transcript NM_017617.5 (MANE Select); coding-DNA position 3667, G replaced by A.
Protein change: p.Asp1223Asn; replaces aspartic acid 1223 with asparagine.
Molecular consequence: missense variant.
Genome position (GRCh38, 1-based): chr9:136,506,950, C>T on the plus strand (G>A on the coding strand, the complement: NOTCH1 is on the minus strand). VCF-style: chr9-136506950-C-T. GRCh37 (hg19) VCF-style: chr9-139401402-C-T.
Other names: short protein forms D1223N.
Identifiers: ClinVar variation 1733735 (VCV001733735.10), dbSNP rs373064962, ClinGen allele CA5340830.